The following is an entry in ClinVar:

NM_000815.5(GABRD):c.69-366C>G

Gene: GABRD (gamma-aminobutyric acid type A receptor subunit delta; plus strand). Cytogenetic location: 1p36.33.
Variant type: single nucleotide variant.
Coding change: c.69-366C>G on transcript NM_000815.5 (MANE Select); 366 bases into the intron before coding-DNA position 69, C replaced by G.
Molecular consequence: intron variant.
Genome position (GRCh38, 1-based): chr1:2,024,576, C>G. VCF-style: chr1-2024576-C-G. GRCh37 (hg19) VCF-style: chr1-1956015-C-G.
Identifiers: ClinVar variation 2638073 (VCV002638073.24), dbSNP rs61775361, ClinGen allele CA16884290.

ClinVar aggregate classification (germline): Benign (1 of 4 stars; one submission).

Allele frequency attached by ClinVar (database versions not stated): 1000 Genomes Project 0.00260; 1000 Genomes Project 30x 0.00328; TOPMed 0.00609; gnomAD 0.00611; gnomAD exomes 0.00761.
gnomAD v4.1: 1,078 of 173,022 alleles (0.62%); highest among the groups gnomAD compares: Non-Finnish European, 1.1%; 4 homozygotes.

Submission:

CeGaT Center for Human Genetics Tuebingen
Classification: Benign. Last evaluated: 2022-10-01. Review status: criteria provided, single submitter. Criteria: CeGaT Center For Human Genetics Tuebingen Variant Classification Criteria Version 2. Collection method: clinical testing. Allele origin: germline. Affected: yes. Observed: 3 variant alleles.
Comment: GABRD: BS1, BS2